The following is an entry in ClinVar:

NM_000152.5(GAA):c.546+24G>A

Gene: GAA (alpha glucosidase; plus strand). Cytogenetic location: 17q25.3.
Variant type: single nucleotide variant.
Coding change: c.546+24G>A on transcript NM_000152.5 (MANE Select); 24 bases into the intron after coding-DNA position 546, G replaced by A.
Molecular consequence: intron variant.
Genome position (GRCh38, 1-based): chr17:80,105,156, G>A. VCF-style: chr17-80105156-G-A. GRCh37 (hg19) VCF-style: chr17-78078955-G-A.
Other names: c.546+24G>A (NM_001406741.1, NM_001406742.1, NM_001079803.3 and 1 more transcripts).
Identifiers: ClinVar variation 4876402 (VCV004876402.1).

ClinVar aggregate classification (germline): Uncertain significance (1 of 4 stars; one submission).

Conditions:
Glycogen storage disease, type II (IOPD). Also called: Pompe Disease; CARDIOMEGALIA GLYCOGENICA DIFFUSA; GLYCOGENOSIS, GENERALIZED, CARDIAC FORM; GSD II; POMPE DISEASE, INFANTILE-ONSET; GLYCOGEN STORAGE DISEASE II, INFANTILE-ONSET. Identifiers: Orphanet 365, MedGen C0017921, MONDO:0009290, OMIM 232300.

gnomAD v4.1: 28 of 1,589,646 alleles (0.0018%); highest among the groups gnomAD compares: Admixed American, 0.0067%; no homozygotes.

Submission:

Genomenon, Inc
Classification: Uncertain significance for Glycogen storage disease, type II. Last evaluated: 2026-07-01. Review status: criteria provided, single submitter. Criteria: Genomenon Sequence Variant Interpretation Standards - Updated. Collection method: curation. Allele origin: germline. Affected: no.
Comment: GAA c.546+24G>A is an intronic variant located in intron 2. This variant has been reported in the published literature (PMID:31301153;18425781). Splicing studies have been reported (PMID:31301153). It is absent or not present at a significant frequency in gnomAD. In conclusion, we classify GAA c.546+24G>A as a variant of uncertain significance.

Literature cited by the submitters: PubMed 31301153; PubMed 18425781.